The following is an entry in ClinVar:

ClinVar aggregate classification (germline): Uncertain significance (1 of 4 stars; one submission).

gnomAD v4.1: 12 of 1,563,584 alleles (0.00077%); highest among the groups gnomAD compares: Admixed American, 0.0019%; no homozygotes.

Submission:

Labcorp Genetics (formerly Invitae), Labcorp
Classification: Uncertain significance. Last evaluated: 2024-01-25. Review status: criteria provided, single submitter. Criteria: Invitae Variant Classification Sherloc (09022015). Collection method: clinical testing. Allele origin: germline.
Comment: This sequence change replaces arginine, which is basic and polar, with histidine, which is basic and polar, at codon 688 of the ITGAM protein (p.Arg688His). The frequency data for this variant in the population databases is considered unreliable, as metrics indicate poor data quality at this position in the gnomAD database. This variant has not been reported in the literature in individuals affected with ITGAM-related conditions. An algorithm developed to predict the effect of missense changes on protein structure and function (PolyPhen-2) suggests that this variant is likely to be disruptive. In summary, the available evidence is currently insufficient to determine the role of this variant in disease. Therefore, it has been classified as a Variant of Uncertain Significance.

NM_000632.4(ITGAM):c.2063G>A (p.Arg688His)

Gene: ITGAM (integrin subunit alpha M; plus strand). Cytogenetic location: 16p11.2.
Variant type: single nucleotide variant.
Coding change: c.2063G>A on transcript NM_000632.4 (MANE Select); coding-DNA position 2063, G replaced by A.
Protein change: p.Arg688His; replaces arginine 688 with histidine.
Molecular consequence: missense variant.
Genome position (GRCh38, 1-based): chr16:31,324,459, G>A. VCF-style: chr16-31324459-G-A. GRCh37 (hg19) VCF-style: chr16-31335780-G-A.
Other names: c.2066G>A, p.Arg689His (NM_001145808.2); short protein forms R688H, R689H.
Identifiers: ClinVar variation 2994460 (VCV002994460.3), dbSNP rs771862568, ClinGen allele CA395686922.